The following is an entry in ClinVar:

ClinVar aggregate classification (germline): Uncertain significance (1 of 4 stars; one submission).

Submission:

GeneDx
Classification: Uncertain significance. Last evaluated: 2023-02-08. Review status: criteria provided, single submitter. Criteria: GeneDx Variant Classification Process June 2021. Collection method: clinical testing. Allele origin: germline. Affected: yes.
Comment: Not observed at significant frequency in large population cohorts (gnomAD); Missense variants in this gene are often considered pathogenic (HGMD); In silico analysis supports that this missense variant has a deleterious effect on protein structure/function; Has not been previously published as pathogenic or benign to our knowledge; This substitution is predicted to be within the extracellular between the S5 and S6 transmembrane segments of the fourth homologous domain.

NM_001040142.2(SCN2A):c.5189A>T (p.Asp1730Val)

Gene: SCN2A (sodium voltage-gated channel alpha subunit 2; plus strand). Cytogenetic location: 2q24.3.
Variant type: single nucleotide variant.
Coding change: c.5189A>T on transcript NM_001040142.2 (MANE Select); coding-DNA position 5189, A replaced by T.
Protein change: p.Asp1730Val; replaces aspartic acid 1730 with valine.
Molecular consequence: missense variant.
Genome position (GRCh38, 1-based): chr2:165,388,995, A>T. VCF-style: chr2-165388995-A-T. GRCh37 (hg19) VCF-style: chr2-166245505-A-T.
Other names: c.5189A>T, p.Asp1730Val (NM_001040143.2, NM_001371246.1, NM_001371247.1 and 1 more transcripts); short protein forms D1730V.
Identifiers: ClinVar variation 2575774 (VCV002575774.1), dbSNP rs2468158537, ClinGen allele CA349038403.